The following is an entry in ClinVar:

ClinVar aggregate classification (germline): Pathogenic (1 of 4 stars; one submission).

Conditions:
Charcot-Marie-Tooth disease type 2. Also called: Charcot-Marie-Tooth type 2. Identifiers: Orphanet 64746, MedGen C0270914, MONDO:0018993.

Submission:

Labcorp Genetics (formerly Invitae), Labcorp
Classification: Pathogenic for Charcot-Marie-Tooth disease type 2. Last evaluated: 2022-08-25. Review status: criteria provided, single submitter. Criteria: Invitae Variant Classification Sherloc (09022015). Collection method: clinical testing. Allele origin: germline.
Comment: This variant has not been reported in the literature in individuals affected with LMNA-related conditions. This variant is a gross deletion of the genomic region encompassing exon(s) 2 of the LMNA gene. This deletion is out-of-frame, and is expected to create a premature termination codon and result in an absent or disrupted protein product. Loss-of-function variants in LMNA are known to be pathogenic (PMID: 18585512, 18926329). For these reasons, this variant has been classified as Pathogenic.

Literature cited by the submitters: PubMed 18585512; PubMed 18926329.

NC_000001.10:g.(?_156100388)_(156100584_?)del

Gene: LMNA (lamin A/C; plus strand). Cytogenetic location: 1q22.
Variant type: Deletion.
Identifiers: ClinVar variation 1457139 (VCV001457139.5).